The following is an entry in ClinVar:

ClinVar aggregate classification (germline): Pathogenic (1 of 4 stars; one submission).

Conditions:
Inborn genetic diseases. Identifiers: MedGen C0950123, MeSH D030342.

Submission:

Ambry Genetics
Classification: Pathogenic for Inborn genetic diseases. Last evaluated: 2022-11-28. Review status: criteria provided, single submitter. Criteria: Ambry Variant Classification Scheme 2023. Collection method: clinical testing. Allele origin: germline.
Comment: The c.6421_6422delCA (p.Q2141Efs*23) alteration, located in exon 19 (coding exon 17) of the SETX gene, consists of a deletion of 2 nucleotides from position 6421 to 6422, causing a translational frameshift with a predicted alternate stop codon after 23 amino acids. This alteration is expected to result in loss of function by premature protein truncation or nonsense-mediated mRNA decay. _x000D_ _x000D_ Although biallelic loss of function alterations in SETX have been associated with autosomal recessive SETX-related spinocerebellar ataxia with axonal neuropathy, haploinsufficiency for SETX has not been established as a mechanism of disease for autosomal dominant SETX-related juvenile amyotrophic lateral sclerosis. Based on the available evidence, the SETX c.6421_6422delCA (p.Q2141Efs*23) alteration is classified as pathogenic for autosomal recessive SETX-related spinocerebellar ataxia with axonal neuropathy; however, its clinical significance for autosomal dominant SETX-related juvenile amyotrophic lateral sclerosis is unclear. This variant was not reported in population-based cohorts in the Genome Aggregation Database (gnomAD). Based on the available evidence, this alteration is classified as pathogenic.

NM_015046.7(SETX):c.6421_6422del (p.Gln2141fs)

Gene: SETX (senataxin; minus strand). Cytogenetic location: 9q34.13.
Variant type: Microsatellite.
Coding change: c.6421_6422del on transcript NM_015046.7 (MANE Select); coding-DNA positions 6421 to 6422, 2 bases deleted (CA; older notation c.6421_6422delCA).
Protein change: p.Gln2141fs; shifts the reading frame from glutamine 2141.
Molecular consequence: frameshift variant.
Genome position (GRCh38, 1-based): chr9:132,283,388-132,283,389, TG deleted on the plus strand (CA on the coding strand, the reverse complement: SETX is on the minus strand); deleting any 2 consecutive bases within chr9:132,283,388-132,283,392 gives the same sequence; the c. name uses the placement nearest the transcript's 3' end. VCF-style (leftmost placement, unchanged base first): chr9-132283387-CTG-C. GRCh37 (hg19) VCF-style: chr9-135158774-CTG-C.
Other names: c.6421_6422del, p.Gln2141fs (NM_001351527.2, NM_001351528.2); c.6418_6419AC[1], p.Gln2141Glufs (NM_015046.5); c.6421_6422delCA (NM_015046.5); short protein forms Q2141fs.
Identifiers: ClinVar variation 2326477 (VCV002326477.2), dbSNP rs2538904662, ClinGen allele CA2580617117.